The following is an entry in ClinVar:

NM_000245.4(MET):c.2103-15del

Gene: MET (MET proto-oncogene, receptor tyrosine kinase; plus strand). Cytogenetic location: 7q31.2.
Variant type: Deletion.
Coding change: c.2103-15del on transcript NM_000245.4 (MANE Select); 15 bases into the intron before coding-DNA position 2103, one base deleted (A; older notation c.2103-15delA).
Molecular consequence: intron variant.
Genome position (GRCh38, 1-based): chr7:116,758,444, A deleted; the last of 2 consecutive A bases (chr7:116,758,443-116,758,444); deleting either gives the same sequence. VCF-style (leftmost placement, unchanged base first): chr7-116758442-TA-T. GRCh37 (hg19) VCF-style: chr7-116398496-TA-T.
Other names: c.2103-15delA (NM_000245.4); c.2103-15del (NM_001127500.3, NM_001324401.3); c.813-15del (NM_001324402.2).
Identifiers: ClinVar variation 1589385 (VCV001589385.10), dbSNP rs1164805994, ClinGen allele CA832010438.

ClinVar aggregate classification (germline): Likely benign. Review status: criteria provided, multiple submitters, no conflicts (2 of 4 stars). 3 submissions from 3 submitters: Likely benign (3). Last evaluated 2025-12-29.

Conditions:
Renal cell carcinoma. Identifiers: Orphanet 217071, MedGen C0007134, MeSH D002292, MONDO:0005086, HP:0005584.
Papillary renal cell carcinoma type 1 (RCCP1). Also called: Renal adenocarcinoma; Renal cell carcinoma 1; Renal cell carcinoma, somatic; RENAL CELL CARCINOMA, PAPILLARY, 1, SOMATIC. Identifiers: Orphanet 47044, MedGen C1336839, OMIM 605074, HP:0011797.

Submissions (3):

Center for Genomic Medicine, Rigshospitalet, Copenhagen University Hospital
Classification: Likely benign. Last evaluated: 2025-12-29. Review status: criteria provided, single submitter. Criteria: ACMG Guidelines, 2015. Collection method: clinical testing. Allele origin: germline.

Myriad Genetics, Inc.
Classification: Likely benign for Papillary renal cell carcinoma type 1. Last evaluated: 2024-11-08. Review status: criteria provided, single submitter. Criteria: Myriad Autosomal Dominant, Autosomal Recessive and X-Linked Classification Criteria (2023). Collection method: clinical testing. Allele origin: unknown.
Comment: This variant is considered likely benign. This variant is intronic and is not expected to impact mRNA splicing.

Labcorp Genetics (formerly Invitae), Labcorp
Classification: Likely benign for Renal cell carcinoma. Last evaluated: 2021-04-27. Review status: criteria provided, single submitter. Criteria: Invitae Variant Classification Sherloc (09022015). Collection method: clinical testing. Allele origin: germline.